The following is an entry in ClinVar:

ClinVar aggregate classification (germline): Benign/Likely benign. Review status: criteria provided, multiple submitters, no conflicts (2 of 4 stars). 6 submissions from 6 submitters: Benign (4); Likely benign (2). Last evaluated 2024-07-24.

Conditions:
Spinocerebellar ataxia type 14 (SCA14). Identifiers: Orphanet 98763, MedGen C1854369, MONDO:0011540, OMIM 605361.

Allele frequency attached by ClinVar (database versions not stated): gnomAD exomes 0.00065 and 0.00186; ExAC 0.00217; 1000 Genomes Project 30x 0.00625; 1000 Genomes Project 0.00699; gnomAD 0.00720 and 0.00781; ESP Exome Variant Server 0.00807; TOPMed 0.00810.
gnomAD v4.1: 2,101 of 1,613,862 alleles (0.13%); highest among the groups gnomAD compares: African/African-American, 2.4%; 28 homozygotes.

Submissions (6):

Mayo Clinic Laboratories, Mayo Clinic
Classification: Benign. Last evaluated: 2024-07-24. Review status: criteria provided, single submitter. Criteria: ACMG Guidelines, 2015. Collection method: clinical testing. Allele origin: germline. Observed: 3 variant alleles.
Comment: BS1, BS2, BP4, BP7

GeneDx
Classification: Likely benign. Last evaluated: 2021-12-06. Review status: criteria provided, single submitter. Criteria: GeneDx Variant Classification Process June 2021. Collection method: clinical testing. Allele origin: germline. Affected: yes.
Comment: See Variant Classification Assertion Criteria.

Labcorp Genetics (formerly Invitae), Labcorp
Classification: Benign. Last evaluated: 2019-12-31. Review status: criteria provided, single submitter. Criteria: Invitae Variant Classification Sherloc (09022015). Collection method: clinical testing. Allele origin: germline.

Illumina Laboratory Services, Illumina
Classification: Benign for Spinocerebellar ataxia type 14. Last evaluated: 2018-01-12. Review status: criteria provided, single submitter. Criteria: ICSL Variant Classification Criteria 13 December 2019. Collection method: clinical testing. Allele origin: germline.
Comment: This variant was observed in the ICSL laboratory as part of a predisposition screen in an ostensibly healthy population. It had not been previously curated by ICSL or reported in the Human Gene Mutation Database (HGMD: prior to June 1st, 2018), and was therefore a candidate for classification through an automated scoring system. Utilizing variant allele frequency, disease prevalence and penetrance estimates, and inheritance mode, an automated score was calculated to assess if this variant is too frequent to cause the disease. Based on the score and internal cut-off values, a variant classified as benign is not then subjected to further curation. The score for this variant resulted in a classification of benign for this disease.

Athena Diagnostics
Classification: Benign. Last evaluated: 2017-09-25. Review status: criteria provided, single submitter. Criteria: Athena Diagnostics Criteria. Collection method: clinical testing. Allele origin: germline.

Breakthrough Genomics
Classification: Likely benign. Review status: criteria provided, single submitter. Criteria: ACMG Guidelines, 2015. Collection method: not provided. Allele origin: germline. Inheritance: Autosomal dominant inheritance. Affected: yes.

NM_002739.5(PRKCG):c.1722C>T (p.Tyr574=)

Gene: PRKCG (protein kinase C gamma; plus strand). Cytogenetic location: 19q13.42.
Variant type: single nucleotide variant.
Coding change: c.1722C>T on transcript NM_002739.5 (MANE Select); coding-DNA position 1722, C replaced by T.
Protein change: p.Tyr574=; no amino-acid change (tyrosine 574 retained).
Molecular consequence: synonymous variant.
Genome position (GRCh38, 1-based): chr19:53,904,700, C>T. VCF-style: chr19-53904700-C-T. GRCh37 (hg19) VCF-style: chr19-54407954-C-T.
Other names: p.Tyr574=; c.1722C>T, p.Tyr574= (NM_001316329.2); c.1722C>T (LRG_669t1).
Identifiers: ClinVar variation 330066 (VCV000330066.13), dbSNP rs34616316, ClinGen allele CA9640684.
Genomic context (GRCh38, chr19:53,904,700, plus strand): 5'-CTTCGATGGGGAGGACGAGGAGGAGCTGTTTCAGGCCATCATGGAACAAACTGTCACCTA[C>T]CCCAAGTCGCTTTCCCGGGAAGCCGTGGCCATCTGCAAGGGGGTGAGAGCCCCCTGACTC-3'
Protein context (NP_002730.1, residues 564-584): FQAIMEQTVT[Tyr574=]PKSLSREAVA